The following is an entry in ClinVar:

ClinVar aggregate classification (germline): Uncertain significance (1 of 4 stars; one submission).

Conditions:
Developmental and epileptic encephalopathy 94 (DEE94). Also called: CHD2-Related Neurodevelopmental Disorders; Epileptic encephalopathy, childhood-onset. Identifiers: Orphanet 1942, Orphanet 2382, MedGen C3809278, MONDO:0014150, OMIM 615369.

Allele frequency attached by ClinVar (database versions not stated): gnomAD exomes below 0.00001; ExAC 0.00001.
gnomAD v4.1: 2 of 1,613,328 alleles (0.00012%); no homozygotes.

Submission:

Labcorp Genetics (formerly Invitae), Labcorp
Classification: Uncertain significance for Developmental and epileptic encephalopathy 94. Last evaluated: 2023-08-27. Review status: criteria provided, single submitter. Criteria: Invitae Variant Classification Sherloc (09022015). Collection method: clinical testing. Allele origin: germline.
Comment: This sequence change falls in intron 35 of the CHD2 gene. It does not directly change the encoded amino acid sequence of the CHD2 protein. It affects a nucleotide within the consensus splice site. This variant is present in population databases (rs775945173, gnomAD 0.01%). In summary, the available evidence is currently insufficient to determine the role of this variant in disease. Therefore, it has been classified as a Variant of Uncertain Significance. Variants that disrupt the consensus splice site are a relatively common cause of aberrant splicing (PMID: 17576681, 9536098). Algorithms developed to predict the effect of sequence changes on RNA splicing suggest that this variant is not likely to affect RNA splicing. This variant has not been reported in the literature in individuals affected with CHD2-related conditions.

Literature cited by the submitters: PubMed 17576681; PubMed 9536098.

NM_001271.4(CHD2):c.4592+3A>G

Gene: CHD2 (chromodomain helicase DNA binding protein 2; plus strand). Cytogenetic location: 15q26.1.
Variant type: single nucleotide variant.
Coding change: c.4592+3A>G on transcript NM_001271.4 (MANE Select); 3 bases into the intron after coding-DNA position 4592, A replaced by G.
Molecular consequence: intron variant.
Genome position (GRCh38, 1-based): chr15:93,009,326, A>G. VCF-style: chr15-93009326-A-G. GRCh37 (hg19) VCF-style: chr15-93552556-A-G.
Identifiers: ClinVar variation 2785982 (VCV002785982.3), dbSNP rs775945173, ClinGen allele CA7748505.